The following is an entry in ClinVar:

ClinVar aggregate classification (germline): Likely benign (1 of 4 stars; one submission).

Allele frequency attached by ClinVar (database versions not stated): gnomAD exomes 0.00004; ExAC 0.00036; ESP Exome Variant Server 0.00057.

Submission:

CeGaT Center for Human Genetics Tuebingen
Classification: Likely benign. Last evaluated: 2026-04-01. Review status: criteria provided, single submitter. Criteria: CeGaT Center For Human Genetics Tuebingen Variant Classification Criteria Version 2. Collection method: clinical testing. Allele origin: germline. Affected: yes. Observed: 3 variant alleles.
Comment: AHNAK2: BP4, BP7

NM_138420.4(AHNAK2):c.3030A>G (p.Val1010=)

Gene: AHNAK2 (AHNAK nucleoprotein 2; minus strand). Cytogenetic location: 14q32.33.
Variant type: single nucleotide variant.
Coding change: c.3030A>G on transcript NM_138420.4 (MANE Select); coding-DNA position 3030, A replaced by G.
Protein change: p.Val1010=; no amino-acid change (valine 1010 retained).
Molecular consequence: synonymous variant.
Genome position (GRCh38, 1-based): chr14:104,952,421, T>C on the plus strand (A>G on the coding strand, the complement: AHNAK2 is on the minus strand). VCF-style: chr14-104952421-T-C. GRCh37 (hg19) VCF-style: chr14-105418758-T-C.
Other names: c.2730A>G, p.Val910= (NM_001350929.2).
Identifiers: ClinVar variation 2644869 (VCV002644869.24), dbSNP rs372805671, ClinGen allele CA7383256.
Genomic context (GRCh38, chr14:104,952,421, plus strand): 5'-GGCCTCCACCTTGGGTGCAGACACATCCACCAAGGCCTTGATGGACTTCCCTGGGGCCGA[T>C]ACCCCGAACGACGGCATCTTGAACTTGGGCATTTTGAACTTGCTGTCTTTGGCAGTCACG-3'
Protein context (NP_612429.2, residues 1000-1020): MPKFKMPSFG[Val1010=]SAPGKSIKAL